The following is an entry in ClinVar:

NM_001458.5(FLNC):c.156dup (p.Val53fs)

Gene: FLNC (filamin C; plus strand). Cytogenetic location: 7q32.1.
Variant type: Duplication.
Coding change: c.156dup on transcript NM_001458.5 (MANE Select); coding-DNA position 156, one base duplicated (C; older notation c.156dupC).
Protein change: p.Val53fs; shifts the reading frame from valine 53.
Molecular consequence: frameshift variant.
Genome position (GRCh38, 1-based): chr7:128,830,793, C duplicated. VCF-style (leftmost placement, unchanged base first): chr7-128830792-G-GC. GRCh37 (hg19) VCF-style: chr7-128470846-G-GC.
Other names: c.156dup, p.Val53fs (NM_001127487.2); short protein forms V53fs.
Identifiers: ClinVar variation 1073410 (VCV001073410.7), dbSNP rs2128932148, ClinGen allele CA2499218730.
Genomic context (GRCh38, chr7:128,830,792, plus strand): 5'-CGCCGTGGAAGAAGATCCAGCAGAACACATTCACGCGCTGGTGCAATGAGCACCTCAAGT[G>GC]CGTGGGCAAGCGCCTGACCGACCTGCAGCGCGACCTCAGCGACGGGCTCCGGCTCATCGC-3'

ClinVar aggregate classification (germline): Pathogenic (1 of 4 stars; one submission).

Conditions:
Myofibrillar myopathy 5. Also called: FILAMINOPATHY, AUTOSOMAL DOMINANT; Filaminopathy (type). Identifiers: Orphanet 171445, MedGen C1836050, MONDO:0012289, OMIM 609524.
Distal myopathy with posterior leg and anterior hand involvement. Also called: WILLIAMS DISTAL MYOPATHY. Identifiers: Orphanet 63273, MedGen C3279722, MONDO:0013550, OMIM 614065.
Hypertrophic cardiomyopathy 26. Also called: Cardiomyopathy, familial hypertrophic, 26. Identifiers: Orphanet 75249, MedGen C4310749, MONDO:0014883, OMIM 617047.

Submission:

Labcorp Genetics (formerly Invitae), Labcorp
Classification: Pathogenic for Distal myopathy with posterior leg and anterior hand involvement; Myofibrillar myopathy 5; Hypertrophic cardiomyopathy 26. Last evaluated: 2020-09-24. Review status: criteria provided, single submitter. Criteria: Invitae Variant Classification Sherloc (09022015). Collection method: clinical testing. Allele origin: germline.
Comment: For these reasons, this variant has been classified as Pathogenic. Loss-of-function variants in FLNC are known to be pathogenic (PMID: 27908349). This variant has not been reported in the literature in individuals with FLNC-related conditions. This variant is not present in population databases (ExAC no frequency). This sequence change creates a premature translational stop signal (p.Val53Argfs*99) in the FLNC gene. It is expected to result in an absent or disrupted protein product.

Literature cited by the submitters: PubMed 27908349.